The following is an entry in ClinVar:

NM_002299.4(LCT):c.5722C>A (p.Arg1908Ser)

Gene: LCT (lactase; minus strand). Cytogenetic location: 2q21.3.
Variant type: single nucleotide variant.
Coding change: c.5722C>A on transcript NM_002299.4 (MANE Select); coding-DNA position 5722, C replaced by A.
Protein change: p.Arg1908Ser; replaces arginine 1908 with serine.
Molecular consequence: missense variant.
Genome position (GRCh38, 1-based): chr2:135,788,386, G>T on the plus strand (C>A on the coding strand, the complement: LCT is on the minus strand). VCF-style: chr2-135788386-G-T. GRCh37 (hg19) VCF-style: chr2-136545956-G-T.
Other names: short protein forms R1908S.
Identifiers: ClinVar variation 1722137 (VCV001722137.5), dbSNP rs138964370, ClinGen allele CA348583909.
Genomic context (GRCh38, chr2:135,788,386, plus strand): 5'-AGAATGAAGACACCGGGCTCAATTCCTGTTGGCTTCGTTGTGTTTTCCCTTGCTTAGAGC[G>T]CTTGCAGTACTTGTATGACAGAAATGCCAAGCCACAGACTCCAAGAAGCACAAGAGAAAA-3'
Protein context (NP_002290.2, residues 1898-1918): LAFLSYKYCK[Arg1908Ser]SKQGKTQRSQ

ClinVar aggregate classification (germline): Uncertain significance (1 of 4 stars; one submission).

Submission:

Labcorp Genetics (formerly Invitae), Labcorp
Classification: Uncertain significance. Last evaluated: 2022-07-21. Review status: criteria provided, single submitter. Criteria: Invitae Variant Classification Sherloc (09022015). Collection method: clinical testing. Allele origin: germline.
Comment: In summary, the available evidence is currently insufficient to determine the role of this variant in disease. Therefore, it has been classified as a Variant of Uncertain Significance. Algorithms developed to predict the effect of missense changes on protein structure and function output the following: SIFT: "Not Available"; PolyPhen-2: "Benign"; Align-GVGD: "Not Available". The serine amino acid residue is found in multiple mammalian species, which suggests that this missense change does not adversely affect protein function. This variant has not been reported in the literature in individuals affected with LCT-related conditions. This variant is not present in population databases (gnomAD no frequency). This sequence change replaces arginine, which is basic and polar, with serine, which is neutral and polar, at codon 1908 of the LCT protein (p.Arg1908Ser).